The following is an entry in ClinVar:

ClinVar aggregate classification (germline): Uncertain significance. Review status: criteria provided, multiple submitters, no conflicts (2 of 4 stars). 3 submissions from 3 submitters: Uncertain significance (3). Last evaluated 2024-06-26.

Conditions:
Inborn genetic diseases. Identifiers: MedGen C0950123, MeSH D030342.
Focal segmental glomerulosclerosis 9 (FSGS9). Identifiers: Orphanet 656, MedGen C4015555, MONDO:0014539, OMIM 616220.

Allele frequency attached by ClinVar (database versions not stated): ExAC 0.00005; gnomAD 0.00015; 1000 Genomes Project 30x 0.00016; 1000 Genomes Project 0.00020.
gnomAD v4.1: 173 of 1,613,478 alleles (0.011%); highest among the groups gnomAD compares: East Asian, 0.087%; no homozygotes.

Submissions (3):

3billion
Classification: Uncertain significance for Focal segmental glomerulosclerosis 9. Last evaluated: 2024-06-26. Review status: criteria provided, single submitter. Criteria: ACMG Guidelines, 2015. Collection method: clinical testing. Allele origin: germline. Affected: yes.
Comment: The variant is observed at an extremely low frequency in the gnomAD v4.0.0 dataset (total allele frequency: 0.011%). Predicted Consequence/Location: Missense variant In silico tool predictions suggest no damaging effect of the variant on gene or gene product [REVEL: 0.20 (<0.4); 3Cnet: 0.00 (<0.15, specificity 0.78 and negative predictive value 0.92)]. Therefore, this variant is classified as VUS according to the recommendation of ACMG/AMP guideline.

Labcorp Genetics (formerly Invitae), Labcorp
Classification: Uncertain significance. Last evaluated: 2021-09-01. Review status: criteria provided, single submitter. Criteria: Invitae Variant Classification Sherloc (09022015). Collection method: clinical testing. Allele origin: germline.
Comment: This sequence change replaces asparagine with serine at codon 478 of the CRB2 protein (p.Asn478Ser). The asparagine residue is weakly conserved and there is a small physicochemical difference between asparagine and serine. This variant is present in population databases (rs575296054, ExAC 0.03%). This variant has not been reported in the literature in individuals affected with CRB2-related conditions. Algorithms developed to predict the effect of missense changes on protein structure and function output the following: SIFT: "Tolerated"; PolyPhen-2: "Possibly Damaging"; Align-GVGD: "Class C0". The serine amino acid residue is found in multiple mammalian species, which suggests that this missense change does not adversely affect protein function. Algorithms developed to predict the effect of sequence changes on RNA splicing suggest that this variant may create or strengthen a splice site. In summary, the available evidence is currently insufficient to determine the role of this variant in disease. Therefore, it has been classified as a Variant of Uncertain Significance.

Ambry Genetics
Classification: Uncertain significance for Inborn genetic diseases. Last evaluated: 2021-08-02. Review status: criteria provided, single submitter. Criteria: Ambry Variant Classification Scheme 2023. Collection method: clinical testing. Allele origin: germline.

NM_173689.7(CRB2):c.1433A>G (p.Asn478Ser)

Gene: CRB2 (crumbs cell polarity complex component 2; plus strand). Cytogenetic location: 9q33.3.
Variant type: single nucleotide variant.
Coding change: c.1433A>G on transcript NM_173689.7 (MANE Select); coding-DNA position 1433, A replaced by G.
Protein change: p.Asn478Ser; replaces asparagine 478 with serine.
Molecular consequence: missense variant. On other transcripts: non-coding transcript variant (1).
Genome position (GRCh38, 1-based): chr9:123,370,486, A>G. VCF-style: chr9-123370486-A-G. GRCh37 (hg19) VCF-style: chr9-126132765-A-G.
Other names: c.1433A>G (NM_173689.5); short protein forms N478S.
Identifiers: ClinVar variation 1024752 (VCV001024752.8), dbSNP rs575296054, ClinGen allele CA5231975.